The following is an entry in ClinVar:

NM_138694.4(PKHD1):c.8679T>G (p.His2893Gln)

Gene: PKHD1 (PKHD1 ciliary IPT domain containing fibrocystin/polyductin; minus strand). Cytogenetic location: 6p12.3.
Variant type: single nucleotide variant.
Coding change: c.8679T>G on transcript NM_138694.4 (MANE Select); coding-DNA position 8679, T replaced by G.
Protein change: p.His2893Gln; replaces histidine 2893 with glutamine.
Molecular consequence: missense variant.
Genome position (GRCh38, 1-based): chr6:51,754,902, A>C on the plus strand (T>G on the coding strand, the complement: PKHD1 is on the minus strand). VCF-style: chr6-51754902-A-C. GRCh37 (hg19) VCF-style: chr6-51619700-A-C.
Other names: c.8679T>G, p.His2893Gln (NM_170724.3); short protein forms H2893Q.
Identifiers: ClinVar variation 5003525 (VCV005003525.1).

ClinVar aggregate classification (germline): Uncertain significance (1 of 4 stars; one submission).

Conditions:
Polycystic kidney disease 4 (PKD4). Also called: POLYCYSTIC KIDNEY AND HEPATIC DISEASE 1; POLYCYSTIC KIDNEY DISEASE, INFANTILE, TYPE I; PKD3; Autosomal Recessive Polycystic Kidney Disease – PKHD1; POLYCYSTIC KIDNEY DISEASE 4 WITH OR WITHOUT POLYCYSTIC LIVER DISEASE. Identifiers: MedGen C4540575, MONDO:0033004, OMIM 263200.

gnomAD v4.1: 1 of 1,613,642 alleles (0.000062%); highest among the groups gnomAD compares: South Asian, 0.0011%; no homozygotes.

Submission:

Myriad Genetics, Inc.
Classification: Uncertain significance for Polycystic kidney disease 4. Last evaluated: 2026-04-08. Review status: criteria provided, single submitter. Criteria: Myriad Autosomal Dominant, Autosomal Recessive and X-Linked Classification Criteria (2023). Collection method: clinical testing. Allele origin: unknown.
Comment: NM_138694.3(PKHD1):c.8679T>G(H2893Q) is a missense variant classified as a variant of uncertain significance in the context of autosomal recessive polycystic kidney disease, PKHD1-related. H2893Q has not been observed in cases with relevant disease. Relevant functional assessments of this variant are not available in the literature. H2893Q has not been observed in referenced population frequency databases. In summary, there is insufficient evidence to classify NM_138694.3(PKHD1):c.8679T>G(H2893Q) as pathogenic or benign. Please note: this variant was assessed in the context of healthy population screening.